The following is an entry in ClinVar:

NM_000059.4(BRCA2):c.8487+2T>A

Gene: BRCA2 (BRCA2 DNA repair associated; plus strand). Cytogenetic location: 13q13.1.
Variant type: single nucleotide variant.
Coding change: c.8487+2T>A on transcript NM_000059.4 (MANE Select); the canonical splice donor site of the intron after coding-DNA position 8487, T replaced by A.
Molecular consequence: splice donor variant.
Genome position (GRCh38, 1-based): chr13:32,370,559, T>A. VCF-style: chr13-32370559-T-A. GRCh37 (hg19) VCF-style: chr13-32944696-T-A.
Other names: c.8487+2T>A (NM_001406720.1); c.8391+2T>A (NM_001406719.1); c.3555+2T>A (NM_001406721.1); c.2070+2T>A (NM_001406722.1).
Identifiers: ClinVar variation 1071638 (VCV001071638.7), dbSNP rs886040944, ClinGen allele CA387752650.
Genomic context (GRCh38, chr13:32,370,559, plus strand): 5'-GTGATGGAGGAAATGTTGGTTGTGTTGATGTAATTATTCAAAGAGCATACCCTATACAGG[T>A]ATGATGTATTCTTGAAACTTACCATATATTTCTTTCTTTTGATACAATTAATTTGTTTGT-3'

ClinVar aggregate classification (germline): Pathogenic (1 of 4 stars; one submission).

Conditions:
Hereditary breast ovarian cancer syndrome. Also called: Hereditary breast and ovarian cancer syndrome (HBOC); Hereditary breast and/or ovarian cancer syndrome; Hereditary breast and ovarian cancer; BRCA1- and BRCA2-Associated Hereditary Breast and Ovarian Cancer; Hereditary breast and ovarian cancer syndrome; Breast and ovarian cancer. Identifiers: Orphanet 145, MedGen C0677776, MeSH D061325, MONDO:0003582. Disease mechanism: loss of function.

Submission:

Labcorp Genetics (formerly Invitae), Labcorp
Classification: Pathogenic for Hereditary breast ovarian cancer syndrome. Last evaluated: 2020-07-12. Review status: criteria provided, single submitter. Criteria: Invitae Variant Classification Sherloc (09022015). Collection method: clinical testing. Allele origin: germline.
Comment: For these reasons, this variant has been classified as Pathogenic. Donor and acceptor splice site variants typically lead to a loss of protein function (PMID: 16199547), and loss-of-function variants in BRCA2 are known to be pathogenic (PMID: 20104584). Experimental studies have shown that disruption of this splice site affects mRNA splicing (PMID: 12606139, 16619214, 22632462). This variant has been reported in individuals in the Leiden Open-source Variation Database (PMID: 21520333) This variant is not present in population databases (ExAC no frequency). This sequence change affects a donor splice site in intron 19 of the BRCA2 gene. It is expected to disrupt RNA splicing and likely results in an absent or disrupted protein product.

Literature cited by the submitters: PubMed 16199547; PubMed 20104584; PubMed 12606139; PubMed 16619214; PubMed 22632462; PubMed 21520333.